The following is an entry in ClinVar:

ClinVar aggregate classification (germline): Uncertain significance (1 of 4 stars; one submission).

Submission:

Labcorp Genetics (formerly Invitae), Labcorp
Classification: Uncertain significance. Last evaluated: 2021-08-12. Review status: criteria provided, single submitter. Criteria: Invitae Variant Classification Sherloc (09022015). Collection method: clinical testing. Allele origin: germline.
Comment: This sequence change replaces proline with histidine at codon 47 of the LZTR1 protein (p.Pro47His). The proline residue is highly conserved and there is a moderate physicochemical difference between proline and histidine. This variant is not present in population databases (ExAC no frequency). This variant has not been reported in the literature in individuals affected with LZTR1-related conditions. Algorithms developed to predict the effect of missense changes on protein structure and function are either unavailable or do not agree on the potential impact of this missense change (SIFT: "Deleterious"; PolyPhen-2: "Probably Damaging"; Align-GVGD: "Class C0"). In summary, the available evidence is currently insufficient to determine the role of this variant in disease. Therefore, it has been classified as a Variant of Uncertain Significance.

NM_006767.4(LZTR1):c.140C>A (p.Pro47His)

Gene: LZTR1 (leucine zipper like post translational regulator 1; plus strand). Cytogenetic location: 22q11.21.
Variant type: single nucleotide variant.
Coding change: c.140C>A on transcript NM_006767.4 (MANE Select); coding-DNA position 140, C replaced by A.
Protein change: p.Pro47His; replaces proline 47 with histidine.
Molecular consequence: missense variant.
Genome position (GRCh38, 1-based): chr22:20,982,511, C>A. VCF-style: chr22-20982511-C-A. GRCh37 (hg19) VCF-style: chr22-21336800-C-A.
Other names: short protein forms P47H.
Identifiers: ClinVar variation 1432766 (VCV001432766.6), dbSNP rs1445710752, ClinGen allele CA410777902.
Genomic context (GRCh38, chr22:20,982,511, plus strand): 5'-GCGTGGACTTCGACCATAGCTGCTCGGACAGTGTCGAGTACCTGACGCTCAACTTCGGGC[C>A]CTTCGAAACAGTGCATCGCTGGCGGCGCCTCCCGCCCTGCGACGAGTTCGTGGGTGCCCG-3'
Protein context (NP_006758.2, residues 37-57): SVEYLTLNFG[Pro47His]FETVHRWRRL